The following is an entry in ClinVar:

ClinVar aggregate classification (germline): Benign. Review status: criteria provided, multiple submitters, no conflicts (2 of 4 stars). 2 submissions from 2 submitters: Benign (2). Last evaluated 2018-01-13.

Conditions:
Melanoma, cutaneous malignant, susceptibility to, 5. Also called: Cutaneous malignant melanoma 5. Identifiers: Orphanet 618, MedGen C2751295, MONDO:0013133, OMIM 613099.

Allele frequency attached by ClinVar (database versions not stated): TOPMed 0.34520; gnomAD 0.33371 and 0.34162; 1000 Genomes Project 30x 0.45300; gnomAD exomes 0.33680; 1000 Genomes Project 0.45527.

Submissions (2):

Illumina Laboratory Services, Illumina
Classification: Benign for Melanoma, cutaneous malignant, susceptibility to, 5. Last evaluated: 2018-01-13. Review status: criteria provided, single submitter. Criteria: ICSL Variant Classification Criteria 13 December 2019. Collection method: clinical testing. Allele origin: germline.
Comment: This variant was observed in the ICSL laboratory as part of a predisposition screen in an ostensibly healthy population. It had not been previously curated by ICSL or reported in the Human Gene Mutation Database (HGMD: prior to June 1st, 2018), and was therefore a candidate for classification through an automated scoring system. Utilizing variant allele frequency, disease prevalence and penetrance estimates, and inheritance mode, an automated score was calculated to assess if this variant is too frequent to cause the disease. Based on the score and internal cut-off values, a variant classified as benign is not then subjected to further curation. The score for this variant resulted in a classification of benign for this disease.

Breakthrough Genomics
Classification: Benign. Review status: criteria provided, single submitter. Criteria: ACMG Guidelines, 2015. Collection method: not provided. Allele origin: germline. Inheritance: Autosomal recessive inheritance. Affected: yes.

NM_002386.3(MC1R):c.-445G>A

Gene: MC1R (melanocortin 1 receptor; plus strand). Cytogenetic location: 16q24.3.
Variant type: single nucleotide variant.
Coding change: c.-445G>A on transcript NM_002386.3; 445 bases upstream of the start codon, G replaced by A.
Genome position (GRCh38, 1-based): chr16:89,918,814, G>A. VCF-style: chr16-89918814-G-A. GRCh37 (hg19) VCF-style: chr16-89985222-G-A.
Identifiers: ClinVar variation 321404 (VCV000321404.8), dbSNP rs3212361, ClinGen allele CA10648422.